The following is an entry in ClinVar:

ClinVar aggregate classification (germline): Likely benign. Review status: criteria provided, single submitter (1 of 4 stars). 2 submissions from 2 submitters: Likely benign (1). 1 of the submissions does not count toward it. Last evaluated 2025-06-12.

Conditions:
FAT4-related disorder. Also called: FAT4-related condition.

Allele frequency attached by ClinVar (database versions not stated): gnomAD exomes below 0.00001; ExAC 0.00001; TOPMed 0.00005; gnomAD 0.00006; ESP Exome Variant Server 0.00008.
gnomAD v4.1: 12 of 1,612,298 alleles (0.00074%); highest among the groups gnomAD compares: African/African-American, 0.012%; no homozygotes.

Submissions (2):

Labcorp Genetics (formerly Invitae), Labcorp
Classification: Likely benign. Last evaluated: 2025-06-12. Review status: criteria provided, single submitter. Criteria: Invitae Variant Classification Sherloc (09022015). Collection method: clinical testing. Allele origin: germline.

PreventionGenetics, part of Exact Sciences
Classification: Likely benign for FAT4-related condition. Last evaluated: 2021-03-29. Review status: no assertion criteria provided. Collection method: clinical testing. Allele origin: germline. Not counted in ClinVar's aggregate classification.
Comment: This variant is classified as likely benign based on ACMG/AMP sequence variant interpretation guidelines (Richards et al. 2015 PMID: 25741868, with internal and published modifications).

NM_001291303.3(FAT4):c.5308-5T>C

Gene: FAT4 (FAT atypical cadherin 4; plus strand). Cytogenetic location: 4q28.1.
Variant type: single nucleotide variant.
Coding change: c.5308-5T>C on transcript NM_001291303.3 (MANE Select); 5 bases into the intron before coding-DNA position 5308, T replaced by C.
Molecular consequence: intron variant.
Genome position (GRCh38, 1-based): chr4:125,406,875, T>C. VCF-style: chr4-125406875-T-C. GRCh37 (hg19) VCF-style: chr4-126328030-T-C.
Other names: c.5308-5T>C (NM_001291285.3, NM_024582.6, NM_024582.4).
Identifiers: ClinVar variation 1603806 (VCV001603806.10), dbSNP rs373654898, ClinGen allele CA3072682.